The following is an entry in ClinVar:

NM_000368.5(TSC1):c.920C>T (p.Ala307Val)

Gene: TSC1 (TSC complex subunit 1; minus strand). Cytogenetic location: 9q34.13.
Variant type: single nucleotide variant.
Coding change: c.920C>T on transcript NM_000368.5 (MANE Select); coding-DNA position 920, C replaced by T.
Protein change: p.Ala307Val; replaces alanine 307 with valine.
Molecular consequence: missense variant.
Genome position (GRCh38, 1-based): chr9:132,911,562, G>A on the plus strand (C>T on the coding strand, the complement: TSC1 is on the minus strand). VCF-style: chr9-132911562-G-A. GRCh37 (hg19) VCF-style: chr9-135786949-G-A.
Other names: c.920C>T, p.Ala307Val (NM_001162426.2); c.767C>T, p.Ala256Val (NM_001162427.2); c.557C>T, p.Ala186Val (NM_001362177.2); short protein forms A307V, A186V, A256V.
Identifiers: ClinVar variation 800246 (VCV000800246.14), dbSNP rs572611259, ClinGen allele CA039745.

ClinVar aggregate classification (germline): Benign/Likely benign. Review status: criteria provided, multiple submitters, no conflicts (2 of 4 stars). 3 submissions from 3 submitters: Benign (2); Likely benign (1). Last evaluated 2025-05-05.

Conditions:
Tuberous sclerosis 1 (TSC1). Identifiers: Orphanet 805, MedGen C1854465, MONDO:0008612, OMIM 191100.
Hereditary cancer-predisposing syndrome. Also called: Neoplastic Syndromes, Hereditary; Hereditary Cancer Syndrome; Tumor predisposition; Hereditary neoplastic syndrome. Identifiers: Orphanet 140162, MedGen C0027672, MeSH D009386, MONDO:0015356.

Allele frequency attached by ClinVar (database versions not stated): gnomAD below 0.00001 and 0.00002; gnomAD exomes 0.00001 and 0.00003; ExAC 0.00004; 1000 Genomes Project 30x 0.00016; 1000 Genomes Project 0.00020.
gnomAD v4.1: 10 of 1,439,358 alleles (0.00069%); highest among the groups gnomAD compares: South Asian, 0.011%; no homozygotes.

Submissions (3):

Labcorp Genetics (formerly Invitae), Labcorp
Classification: Benign for Tuberous sclerosis 1. Last evaluated: 2025-05-05. Review status: criteria provided, single submitter. Criteria: Invitae Variant Classification Sherloc (09022015). Collection method: clinical testing. Allele origin: germline.

Myriad Genetics, Inc.
Classification: Benign for Tuberous sclerosis 1. Last evaluated: 2024-09-05. Review status: criteria provided, single submitter. Criteria: Myriad Autosomal Dominant, Autosomal Recessive and X-Linked Classification Criteria (2023). Collection method: clinical testing. Allele origin: unknown.
Comment: This variant is considered benign. Homozygosity has been confirmed in one or more individuals. As homozygosity for pathogenic variants in this gene is generally assumed to result in embryonic lethality, this variant is unlikely to be pathogenic. This variant has been observed at a population frequency that is significantly greater than expected given the associated disease prevalence and penetrance.

Ambry Genetics
Classification: Likely benign for Hereditary cancer-predisposing syndrome. Last evaluated: 2023-09-11. Review status: criteria provided, single submitter. Criteria: Ambry Variant Classification Scheme 2023. Collection method: clinical testing. Allele origin: germline.